The following is an entry in ClinVar:

NM_133433.4(NIPBL):c.656A>G (p.His219Arg)

Gene: NIPBL (NIPBL cohesin loading factor; plus strand). Cytogenetic location: 5p13.2.
Variant type: single nucleotide variant.
Coding change: c.656A>G on transcript NM_133433.4 (MANE Select); coding-DNA position 656, A replaced by G.
Protein change: p.His219Arg; replaces histidine 219 with arginine.
Molecular consequence: missense variant.
Genome position (GRCh38, 1-based): chr5:36,970,921, A>G. VCF-style: chr5-36970921-A-G. GRCh37 (hg19) VCF-style: chr5-36971023-A-G.
Other names: c.656A>G, p.His219Arg (NM_015384.5); short protein forms H219R.
Identifiers: ClinVar variation 1700789 (VCV001700789.2), dbSNP rs2149619986, ClinGen allele CA359478401.
Genomic context (GRCh38, chr5:36,970,921, plus strand): 5'-TCTTATTAATTTCAGCATCGGTATCAAGTCCCATTGTTGCAGGTGGTTTGAGAAACATAC[A>G]TGATAATAAAGTTTCTGGTCCGTTGTCTGGCAATTCAGCTAATCATCATGCTGATAATCC-3'
Protein context (NP_597677.2, residues 209-229): PIVAGGLRNI[His219Arg]DNKVSGPLSG

ClinVar aggregate classification (germline): Uncertain significance (1 of 4 stars; one submission).

gnomAD v4.1: 2 of 1,613,632 alleles (0.00012%); highest among the groups gnomAD compares: African/African-American, 0.0013%; no homozygotes.

Submission:

GeneDx
Classification: Uncertain significance. Last evaluated: 2022-02-09. Review status: criteria provided, single submitter. Criteria: GeneDx Variant Classification Process June 2021. Collection method: clinical testing. Allele origin: germline. Affected: yes.
Comment: Not observed at significant frequency in large population cohorts (gnomAD); In silico analysis supports that this missense variant does not alter protein structure/function; Has not been previously published as pathogenic or benign to our knowledge